The following is an entry in ClinVar:

NM_024675.4(PALB2):c.2042A>C (p.Lys681Thr)

Gene: PALB2 (partner and localizer of BRCA2; minus strand). Cytogenetic location: 16p12.2.
Variant type: single nucleotide variant.
Coding change: c.2042A>C on transcript NM_024675.4 (MANE Select); coding-DNA position 2042, A replaced by C.
Protein change: p.Lys681Thr; replaces lysine 681 with threonine.
Molecular consequence: missense variant.
Genome position (GRCh38, 1-based): chr16:23,630,112, T>G on the plus strand (A>C on the coding strand, the complement: PALB2 is on the minus strand). VCF-style: chr16-23630112-T-G. GRCh37 (hg19) VCF-style: chr16-23641433-T-G.
Other names: short protein forms K681T.
Identifiers: ClinVar variation 480250 (VCV000480250.20), dbSNP rs1555460514, ClinGen allele CA395126889.
Genomic context (GRCh38, chr16:23,630,112, plus strand): 5'-GATGAAGAAAGGCCCGTCTTTGTATGCTGGCTTTGCGAGTTTGGCCTTTTGGGATGTGAT[T>G]TTCCTGGTAGAACAATAAGGTCCTCTTCTAAGTCCTCCATTTCTGTATCCATGCGTTTAG-3'
Protein context (NP_078951.2, residues 671-691): LEEDLIVLPG[Lys681Thr]SHPKRPNSQS

ClinVar aggregate classification (germline): Conflicting classifications of pathogenicity. Review status: criteria provided, conflicting classifications (1 of 4 stars). 3 submissions from 3 submitters: Uncertain significance (2); Likely benign (1). Last evaluated 2024-05-22.

Conditions:
Hereditary cancer-predisposing syndrome. Also called: Hereditary Cancer Syndrome; Neoplastic Syndromes, Hereditary; Tumor predisposition; Hereditary neoplastic syndrome. Identifiers: Orphanet 140162, MedGen C0027672, MeSH D009386, MONDO:0015356.
Familial cancer of breast. Also called: BREAST CANCER, FAMILIAL; Hereditary breast cancer; hereditary breast carcinoma. Identifiers: Orphanet 227535, MedGen C0346153, MONDO:0016419, OMIM 114480. Disease mechanism: loss of function.

gnomAD v4.1: 4 of 1,614,188 alleles (0.00025%); highest among the groups gnomAD compares: Non-Finnish European, 0.00034%; no homozygotes.

Submissions (3):

Labcorp Genetics (formerly Invitae), Labcorp
Classification: Uncertain significance for Familial cancer of breast. Last evaluated: 2024-05-22. Review status: criteria provided, single submitter. Criteria: Invitae Variant Classification Sherloc (09022015). Collection method: clinical testing. Allele origin: germline.
Comment: This sequence change replaces lysine, which is basic and polar, with threonine, which is neutral and polar, at codon 681 of the PALB2 protein (p.Lys681Thr). This variant is not present in population databases (gnomAD no frequency). This variant has not been reported in the literature in individuals affected with PALB2-related conditions. ClinVar contains an entry for this variant (Variation ID: 480250). Advanced modeling of protein sequence and biophysical properties (such as structural, functional, and spatial information, amino acid conservation, physicochemical variation, residue mobility, and thermodynamic stability) performed at Invitae indicates that this missense variant is not expected to disrupt PALB2 protein function with a negative predictive value of 80%. In summary, the available evidence is currently insufficient to determine the role of this variant in disease. Therefore, it has been classified as a Variant of Uncertain Significance.

Ambry Genetics
Classification: Likely benign for Hereditary cancer-predisposing syndrome. Last evaluated: 2024-03-27. Review status: criteria provided, single submitter. Criteria: Ambry Variant Classification Scheme 2023. Collection method: clinical testing. Allele origin: germline.

Color Diagnostics, LLC DBA Color Health
Classification: Uncertain significance for Hereditary cancer-predisposing syndrome. Last evaluated: 2023-12-05. Review status: criteria provided, single submitter. Criteria: ACMG Guidelines, 2015. Collection method: clinical testing. Allele origin: germline.
Comment: This missense variant replaces lysine with threonine at codon 681 of the PALB2 protein. Computational prediction suggests that this variant may not impact protein structure and function (internally defined REVEL score threshold <= 0.5, PMID: 27666373). To our knowledge, functional studies have not been reported for this variant. This variant has not been reported in individuals affected with PALB2-related disorders in the literature. This variant has not been identified in the general population by the Genome Aggregation Database (gnomAD). The available evidence is insufficient to determine the role of this variant in disease conclusively. Therefore, this variant is classified as a Variant of Uncertain Significance.